The following is an entry in ClinVar:

NM_033026.6(PCLO):c.397A>C (p.Ile133Leu)

Gene: PCLO (piccolo presynaptic cytomatrix protein; minus strand). Cytogenetic location: 7q21.11.
Variant type: single nucleotide variant.
Coding change: c.397A>C on transcript NM_033026.6 (MANE Select); coding-DNA position 397, A replaced by C.
Protein change: p.Ile133Leu; replaces isoleucine 133 with leucine.
Molecular consequence: missense variant.
Genome position (GRCh38, 1-based): chr7:83,156,244, T>G on the plus strand (A>C on the coding strand, the complement: PCLO is on the minus strand). VCF-style: chr7-83156244-T-G. GRCh37 (hg19) VCF-style: chr7-82785560-T-G.
Other names: c.397A>C, p.Ile133Leu (NM_014510.3); short protein forms I133L.
Identifiers: ClinVar variation 2764250 (VCV002764250.3), dbSNP rs764012264, ClinGen allele CA367921330.

ClinVar aggregate classification (germline): Uncertain significance (1 of 4 stars; one submission).

Submission:

Labcorp Genetics (formerly Invitae), Labcorp
Classification: Uncertain significance. Last evaluated: 2023-11-20. Review status: criteria provided, single submitter. Criteria: Invitae Variant Classification Sherloc (09022015). Collection method: clinical testing. Allele origin: germline.
Comment: This sequence change replaces isoleucine, which is neutral and non-polar, with leucine, which is neutral and non-polar, at codon 133 of the PCLO protein (p.Ile133Leu). This variant is not present in population databases (gnomAD no frequency). This variant has not been reported in the literature in individuals affected with PCLO-related conditions. Experimental studies and prediction algorithms are not available or were not evaluated, and the functional significance of this variant is currently unknown. In summary, the available evidence is currently insufficient to determine the role of this variant in disease. Therefore, it has been classified as a Variant of Uncertain Significance.